The following is an entry in ClinVar:

ClinVar aggregate classification (germline): Uncertain significance (1 of 4 stars; one submission).

Conditions:
Atrioventricular septal defect 4 (AVSD4). Identifiers: MedGen C3280781, MONDO:0013747, OMIM 614430.

gnomAD v4.1: 15 of 1,614,138 alleles (0.00093%); highest among the groups gnomAD compares: Non-Finnish European, 0.0012%; no homozygotes.

Submission:

Labcorp Genetics (formerly Invitae), Labcorp
Classification: Uncertain significance for Atrioventricular septal defect 4. Last evaluated: 2024-12-10. Review status: criteria provided, single submitter. Criteria: Invitae Variant Classification Sherloc (09022015). Collection method: clinical testing. Allele origin: germline.
Comment: This sequence change replaces glutamic acid, which is acidic and polar, with lysine, which is basic and polar, at codon 360 of the GATA4 protein (p.Glu360Lys). This variant is present in population databases (no rsID available, gnomAD 0.002%). This variant has not been reported in the literature in individuals affected with GATA4-related conditions. Invitae Evidence Modeling of protein sequence and biophysical properties (such as structural, functional, and spatial information, amino acid conservation, physicochemical variation, residue mobility, and thermodynamic stability) indicates that this missense variant is not expected to disrupt GATA4 protein function with a negative predictive value of 95%. In summary, the available evidence is currently insufficient to determine the role of this variant in disease. Therefore, it has been classified as a Variant of Uncertain Significance.

NM_001308093.3(GATA4):c.1081G>A (p.Glu361Lys)

Gene: GATA4 (GATA binding protein 4). Cytogenetic location: 8p23.1.
Variant type: single nucleotide variant.
Coding change: c.1081G>A on transcript NM_001308093.3 (MANE Select); coding-DNA position 1081, G replaced by A.
Protein change: p.Glu361Lys; replaces glutamic acid 361 with lysine.
Molecular consequence: missense variant.
Genome position (GRCh38, 1-based): chr8:11,757,015, G>A. VCF-style: chr8-11757015-G-A. GRCh37 (hg19) VCF-style: chr8-11614524-G-A.
Other names: c.460G>A, p.Glu154Lys (NM_001308094.2, NM_001374273.1); c.334G>A, p.Glu112Lys (NM_001374274.1); c.1078G>A, p.Glu360Lys (NM_002052.5); short protein forms E361K, E112K, E154K, E360K.
Identifiers: ClinVar variation 3702621 (VCV003702621.2).